The following is an entry in ClinVar:

ClinVar aggregate classification (germline): Likely benign (1 of 4 stars; one submission).

Allele frequency attached by ClinVar (database versions not stated): 1000 Genomes Project 0.00339; 1000 Genomes Project 30x 0.00375.
gnomAD v4.1: 1,354 of 1,429,236 alleles (0.095%); highest among the groups gnomAD compares: African/African-American, 1.7%; 19 homozygotes.

Submission:

GeneDx
Classification: Likely benign. Last evaluated: 2018-06-18. Review status: criteria provided, single submitter. Criteria: GeneDx Variant Classification (06012015). Collection method: clinical testing. Allele origin: germline. Affected: yes.
Comment: This variant is considered likely benign or benign based on one or more of the following criteria: it is a conservative change, it occurs at a poorly conserved position in the protein, it is predicted to be benign by multiple in silico algorithms, and/or has population frequency not consistent with disease.

NM_007078.3(LDB3):c.1232-96A>G

Gene: LDB3 (LIM domain binding 3; plus strand). Cytogenetic location: 10q23.2.
Variant type: single nucleotide variant.
Coding change: c.1232-96A>G on transcript NM_007078.3 (MANE Select); 96 bases into the intron before coding-DNA position 1232, A replaced by G.
Molecular consequence: intron variant.
Genome position (GRCh38, 1-based): chr10:86,716,231, A>G. VCF-style: chr10-86716231-A-G. GRCh37 (hg19) VCF-style: chr10-88475988-A-G.
Other names: c.1043-96A>G (NM_001368064.1, NM_001368065.1); c.1247-96A>G (NM_001171610.2); c.1091-96A>G (NM_001368066.1); c.902-96A>G (NM_001080114.2).
Identifiers: ClinVar variation 675771 (VCV000675771.1), dbSNP rs59439194, ClinGen allele CA211204720.